The following is an entry in ClinVar:

ClinVar aggregate classification (germline): Uncertain significance. Review status: criteria provided, multiple submitters, no conflicts (2 of 4 stars). 2 submissions from 2 submitters: Uncertain significance (2). Last evaluated 2025-05-18.

Conditions:
Baller-Gerold syndrome (BGS). Also called: CRANIOSYNOSTOSIS WITH RADIAL DEFECTS. Identifiers: Orphanet 1225, MedGen C0265308, MONDO:0009039, OMIM 218600.
Inborn genetic diseases. Identifiers: MedGen C0950123, MeSH D030342.

Submissions (2):

Ambry Genetics
Classification: Uncertain significance for Inborn genetic diseases. Last evaluated: 2025-05-18. Review status: criteria provided, single submitter. Criteria: Ambry Variant Classification Scheme 2023. Collection method: clinical testing. Allele origin: germline.
Comment: The p.H635P variant (also known as c.1904A>C), located in coding exon 12 of the RECQL4 gene, results from an A to C substitution at nucleotide position 1904. The histidine at codon 635 is replaced by proline, an amino acid with similar properties. This amino acid position is conserved. In addition, this alteration is predicted to be tolerated by in silico analysis. Based on the available evidence, the clinical significance of this variant remains unclear.

Labcorp Genetics (formerly Invitae), Labcorp
Classification: Uncertain significance for Baller-Gerold syndrome. Last evaluated: 2024-12-12. Review status: criteria provided, single submitter. Criteria: Invitae Variant Classification Sherloc (09022015). Collection method: clinical testing. Allele origin: germline.
Comment: This sequence change replaces histidine, which is basic and polar, with proline, which is neutral and non-polar, at codon 635 of the RECQL4 protein (p.His635Pro). This variant is not present in population databases (gnomAD no frequency). This variant has not been reported in the literature in individuals affected with RECQL4-related conditions. ClinVar contains an entry for this variant (Variation ID: 946510). Invitae Evidence Modeling of protein sequence and biophysical properties (such as structural, functional, and spatial information, amino acid conservation, physicochemical variation, residue mobility, and thermodynamic stability) indicates that this missense variant is not expected to disrupt RECQL4 protein function with a negative predictive value of 80%. In summary, the available evidence is currently insufficient to determine the role of this variant in disease. Therefore, it has been classified as a Variant of Uncertain Significance.

NM_004260.4(RECQL4):c.1904A>C (p.His635Pro)

Gene: RECQL4 (RecQ like helicase 4; minus strand). Cytogenetic location: 8q24.3.
Variant type: single nucleotide variant.
Coding change: c.1904A>C on transcript NM_004260.4 (MANE Select); coding-DNA position 1904, A replaced by C.
Protein change: p.His635Pro; replaces histidine 635 with proline.
Molecular consequence: missense variant.
Genome position (GRCh38, 1-based): chr8:144,514,082, T>G on the plus strand (A>C on the coding strand, the complement: RECQL4 is on the minus strand). VCF-style: chr8-144514082-T-G. GRCh37 (hg19) VCF-style: chr8-145739466-T-G.
Other names: short protein forms H635P.
Identifiers: ClinVar variation 946510 (VCV000946510.7), dbSNP rs1291839407, ClinGen allele CA372680517.